The following is an entry in ClinVar:

NM_170606.3(KMT2C):c.6433T>C (p.Tyr2145His)

Gene: KMT2C (lysine methyltransferase 2C; minus strand). Cytogenetic location: 7q36.1.
Variant type: single nucleotide variant.
Coding change: c.6433T>C on transcript NM_170606.3 (MANE Select); coding-DNA position 6433, T replaced by C.
Protein change: p.Tyr2145His; replaces tyrosine 2145 with histidine.
Molecular consequence: missense variant.
Genome position (GRCh38, 1-based): chr7:152,181,427, A>G on the plus strand (T>C on the coding strand, the complement: KMT2C is on the minus strand). VCF-style: chr7-152181427-A-G. GRCh37 (hg19) VCF-style: chr7-151878512-A-G.
Other names: short protein forms Y2145H.
Identifiers: ClinVar variation 2727466 (VCV002727466.3), dbSNP rs2487796713, ClinGen allele CA370093454.
Genomic context (GRCh38, chr7:152,181,427, plus strand): 5'-TTCCAGGAGGTTGAGAGTAAGGGTCTGTATTGGACCTAGCTGTTCCTGAAGATTGGGAAT[A>G]AGAATCTACAACAGGTCGTGGAGTTCCTGGGGGTTGGGAGTATGGGTCCTGAGATGTTGG-3'
Protein context (NP_733751.2, residues 2135-2155): PGTPRPVVDS[Tyr2145His]SQSSGTARSN

ClinVar aggregate classification (germline): Uncertain significance (1 of 4 stars; one submission).

Submission:

Labcorp Genetics (formerly Invitae), Labcorp
Classification: Uncertain significance. Last evaluated: 2023-07-28. Review status: criteria provided, single submitter. Criteria: Invitae Variant Classification Sherloc (09022015). Collection method: clinical testing. Allele origin: germline.
Comment: This sequence change replaces tyrosine, which is neutral and polar, with histidine, which is basic and polar, at codon 2145 of the KMT2C protein (p.Tyr2145His). In summary, the available evidence is currently insufficient to determine the role of this variant in disease. Therefore, it has been classified as a Variant of Uncertain Significance. An algorithm developed to predict the effect of missense changes on protein structure and function (PolyPhen-2) suggests that this variant is likely to be disruptive. This variant has not been reported in the literature in individuals affected with KMT2C-related conditions. This variant is not present in population databases (gnomAD no frequency).